The following is an entry in ClinVar:

NM_031935.3(HMCN1):c.16444C>T (p.His5482Tyr)

Genes: HMCN1 (hemicentin 1; plus strand), LOC126805953 (P300/CBP strongly-dependent group 1 enhancer GRCh37_chr1:186156636-186157835; plus strand). Cytogenetic location: 1q31.1.
Variant type: single nucleotide variant.
Coding change: c.16444C>T on transcript NM_031935.3 (MANE Select); coding-DNA position 16444, C replaced by T.
Protein change: p.His5482Tyr; replaces histidine 5482 with tyrosine.
Molecular consequence: missense variant.
Genome position (GRCh38, 1-based): chr1:186,187,912, C>T. VCF-style: chr1-186187912-C-T. GRCh37 (hg19) VCF-style: chr1-186157044-C-T.
Other names: short protein forms H5482Y.
Identifiers: ClinVar variation 3722986 (VCV003722986.2).

ClinVar aggregate classification (germline): Uncertain significance (1 of 4 stars; one submission).

gnomAD v4.1: 4 of 1,613,652 alleles (0.00025%); highest among the groups gnomAD compares: South Asian, 0.0044%; no homozygotes.

Submission:

Labcorp Genetics (formerly Invitae), Labcorp
Classification: Uncertain significance. Last evaluated: 2024-11-06. Review status: criteria provided, single submitter. Criteria: Invitae Variant Classification Sherloc (09022015). Collection method: clinical testing. Allele origin: germline.
Comment: This sequence change replaces histidine, which is basic and polar, with tyrosine, which is neutral and polar, at codon 5482 of the HMCN1 protein (p.His5482Tyr). This variant is present in population databases (rs776299656, gnomAD 0.003%). This variant has not been reported in the literature in individuals affected with HMCN1-related conditions. An algorithm developed to predict the effect of missense changes on protein structure and function (PolyPhen-2) suggests that this variant is likely to be tolerated. In summary, the available evidence is currently insufficient to determine the role of this variant in disease. Therefore, it has been classified as a Variant of Uncertain Significance.